The following is an entry in ClinVar:

NM_000540.3(RYR1):c.1840C>G (p.Arg614Gly)

Gene: RYR1 (ryanodine receptor 1; plus strand). Cytogenetic location: 19q13.2.
Variant type: single nucleotide variant.
Coding change: c.1840C>G on transcript NM_000540.3 (MANE Select); coding-DNA position 1840, C replaced by G.
Protein change: p.Arg614Gly; replaces arginine 614 with glycine.
Molecular consequence: missense variant.
Genome position (GRCh38, 1-based): chr19:38,457,545, C>G. VCF-style: chr19-38457545-C-G. GRCh37 (hg19) VCF-style: chr19-38948185-C-G.
Other names: c.1840C>G, p.Arg614Gly (NM_001042723.2); short protein forms R614G.
Identifiers: ClinVar variation 544395 (VCV000544395.8), dbSNP rs118192172, ClinGen allele CA405693889.
Genomic context (GRCh38, chr19:38,457,545, plus strand): 5'-CTTGACCTCTAGGTCCTGGACGTGCTATGCTCCCTGTGTGTGTGTAATGGTGTGGCTGTA[C>G]GCTCCAACCAAGATCTTATTACTGAGAACTTGCTGCCTGGCCGTGAGCTTCTGCTGCAGA-3'
Protein context (NP_000531.2, residues 604-624): SLCVCNGVAV[Arg614Gly]SNQDLITENL

ClinVar aggregate classification (germline): Likely pathogenic (1 of 4 stars; one submission).

Conditions:
RYR1-related disorder. Also called: RYR1-related condition; RYR1-related disorders. Identifiers: MedGen CN239331.

Submission:

Labcorp Genetics (formerly Invitae), Labcorp
Classification: Likely pathogenic for RYR1-related disorder. Last evaluated: 2023-03-23. Review status: criteria provided, single submitter. Criteria: Invitae Variant Classification Sherloc (09022015). Collection method: clinical testing. Allele origin: germline.
Comment: In summary, the currently available evidence indicates that the variant is pathogenic, but additional data are needed to prove that conclusively. Therefore, this variant has been classified as Likely Pathogenic. This variant disrupts the p.Arg614 amino acid residue in RYR1. Other variant(s) that disrupt this residue have been determined to be pathogenic (PMID: 1774074, 8602662, 10352931, 11493496, 11668625, 12411788). This suggests that this residue is clinically significant, and that variants that disrupt this residue are likely to be disease-causing. Advanced modeling of protein sequence and biophysical properties (such as structural, functional, and spatial information, amino acid conservation, physicochemical variation, residue mobility, and thermodynamic stability) performed at Invitae indicates that this missense variant is expected to disrupt RYR1 protein function. ClinVar contains an entry for this variant (Variation ID: 544395). This missense change has been observed in individual(s) with autosomal dominant malignant hyperthermia susceptibility (Invitae). This variant is not present in population databases (gnomAD no frequency). This sequence change replaces arginine, which is basic and polar, with glycine, which is neutral and non-polar, at codon 614 of the RYR1 protein (p.Arg614Gly).

Literature cited by the submitters: PubMed 1774074; PubMed 8602662; PubMed 10352931; PubMed 11493496; PubMed 11668625; PubMed 12411788.